The following is an entry in ClinVar:

ClinVar aggregate classification (germline): Pathogenic (1 of 4 stars; one submission).

Submission:

Labcorp Genetics (formerly Invitae), Labcorp
Classification: Pathogenic. Last evaluated: 2022-11-30. Review status: criteria provided, single submitter. Criteria: Invitae Variant Classification Sherloc (09022015). Collection method: clinical testing. Allele origin: unknown.
Comment: A similar copy number variant has been observed in individual(s) with maturity-onset diabetes of the young (PMID: 17828387). For these reasons, this variant has been classified as Pathogenic. A gross deletion of the genomic region encompassing the full coding sequence of the HNF1A gene has been identified. Loss-of-function variants in HNF1A are known to be pathogenic (PMID: 15928245, 18003757). The boundaries of this event are unknown as they extend beyond the assayed region for this gene and therefore may encompass additional genes.

Literature cited by the submitters: PubMed 17828387; PubMed 15928245; PubMed 18003757.

NC_000012.11:g.(?_121416034)_(122985387_?)del

Genes: ZCCHC8 (zinc finger CCHC-type containing 8; minus strand), ANAPC5 (anaphase promoting complex subunit 5; minus strand), B3GNT4 (UDP-GlcNAc:betaGal beta-1,3-N-acetylglucosaminyltransferase 4; plus strand), BCL7A (BAF chromatin remodeling complex subunit BCL7A; plus strand), C12orf43 (chromosome 12 open reading frame 43; minus strand) and 21 more. Cytogenetic location: 12q24.31.
Variant type: Deletion.
Identifiers: ClinVar variation 3244353 (VCV003244353.1).